The following is an entry in ClinVar:

NM_144670.6(A2ML1):c.773T>C (p.Val258Ala)

Gene: A2ML1 (alpha-2-macroglobulin like 1; plus strand). Cytogenetic location: 12p13.31.
Variant type: single nucleotide variant.
Coding change: c.773T>C on transcript NM_144670.6 (MANE Select); coding-DNA position 773, T replaced by C.
Protein change: p.Val258Ala; replaces valine 258 with alanine.
Molecular consequence: missense variant.
Genome position (GRCh38, 1-based): chr12:8,837,484, T>C. VCF-style: chr12-8837484-T-C. GRCh37 (hg19) VCF-style: chr12-8990080-T-C.
Other names: short protein forms V258A.
Identifiers: ClinVar variation 4802440 (VCV004802440.1).

ClinVar aggregate classification (germline): Uncertain significance (1 of 4 stars; one submission).

gnomAD v4.1: 4 of 1,614,122 alleles (0.00025%); highest among the groups gnomAD compares: African/African-American, 0.0053%; no homozygotes.

Submission:

Labcorp Genetics (formerly Invitae), Labcorp
Classification: Uncertain significance. Last evaluated: 2025-07-11. Review status: criteria provided, single submitter. Criteria: Invitae Variant Classification Sherloc (09022015). Collection method: clinical testing. Allele origin: germline.
Comment: This sequence change replaces valine, which is neutral and non-polar, with alanine, which is neutral and non-polar, at codon 258 of the A2ML1 protein (p.Val258Ala). This variant is present in population databases (rs746064770, gnomAD 0.01%). This variant has not been reported in the literature in individuals affected with A2ML1-related conditions. An algorithm developed to predict the effect of missense changes on protein structure and function outputs the following: PolyPhen-2: "Benign". The alanine amino acid residue is found in multiple mammalian species, which suggests that this missense change does not adversely affect protein function. In summary, the available evidence is currently insufficient to determine the role of this variant in disease. Therefore, it has been classified as a Variant of Uncertain Significance.